The following is an entry in ClinVar:

ClinVar aggregate classification (germline): Uncertain significance (1 of 4 stars; one submission).

Submission:

GeneDx
Classification: Uncertain significance. Last evaluated: 2026-01-24. Review status: criteria provided, single submitter. Criteria: GeneDx Variant Classification Process June 2021. Collection method: clinical testing. Allele origin: germline.
Comment: Not observed at significant frequency in large population cohorts (gnomAD); In silico analysis supports that this missense variant has a deleterious effect on protein structure/function; Has not been previously published as pathogenic or benign to our knowledge

NM_005618.4(DLL1):c.578G>A (p.Arg193His)

Gene: DLL1 (delta like canonical Notch ligand 1; minus strand). Cytogenetic location: 6q27.
Variant type: single nucleotide variant.
Coding change: c.578G>A on transcript NM_005618.4 (MANE Select); coding-DNA position 578, G replaced by A.
Protein change: p.Arg193His; replaces arginine 193 with histidine.
Molecular consequence: missense variant.
Genome position (GRCh38, 1-based): chr6:170,288,331, C>T on the plus strand (G>A on the coding strand, the complement: DLL1 is on the minus strand). VCF-style: chr6-170288331-C-T. GRCh37 (hg19) VCF-style: chr6-170597419-C-T.
Other names: short protein forms R193H.
Identifiers: ClinVar variation 4975088 (VCV004975088.1).
Genomic context (GRCh38, chr6:170,288,331, plus strand): 5'-TTGCACACTTTCTCCCCACGCTCCCCACAGGTGAAGTGGCCGAAGGCATCGTCCCGGGGA[C>T]GGCAGAAAACGGAGCAGCCCTCTCCGTAGTAGTGTTCGTCACACACGAAGCGGTAGGAGT-3'
Protein context (NP_005609.3, residues 183-203): YYGEGCSVFC[Arg193His]PRDDAFGHFT